The following is an entry in ClinVar:

NM_001853.4(COL9A3):c.478-188G>A

Gene: COL9A3 (collagen type IX alpha 3 chain; plus strand). Cytogenetic location: 20q13.33.
Variant type: single nucleotide variant.
Coding change: c.478-188G>A on transcript NM_001853.4 (MANE Select); 188 bases into the intron before coding-DNA position 478, G replaced by A.
Molecular consequence: intron variant.
Genome position (GRCh38, 1-based): chr20:62,822,403, G>A. VCF-style: chr20-62822403-G-A. GRCh37 (hg19) VCF-style: chr20-61453755-G-A.
Identifiers: ClinVar variation 678463 (VCV000678463.2), dbSNP rs2294989, ClinGen allele CA15975211.

ClinVar aggregate classification (germline): Benign. Review status: criteria provided, multiple submitters, no conflicts (2 of 4 stars). 2 submissions from 2 submitters: Benign (2). Last evaluated 2018-06-16.

Allele frequency attached by ClinVar (database versions not stated): 1000 Genomes Project 0.27596; 1000 Genomes Project 30x 0.27842; TOPMed 0.34600; gnomAD 0.35677.
gnomAD v4.1: 53,418 of 151,892 alleles (35%); highest among the groups gnomAD compares: Non-Finnish European, 41%; 9,795 homozygotes.

Submissions (2):

GeneDx
Classification: Benign. Last evaluated: 2018-06-16. Review status: criteria provided, single submitter. Criteria: GeneDx Variant Classification (06012015). Collection method: clinical testing. Allele origin: germline. Affected: yes.
Comment: This variant is considered likely benign or benign based on one or more of the following criteria: it is a conservative change, it occurs at a poorly conserved position in the protein, it is predicted to be benign by multiple in silico algorithms, and/or has population frequency not consistent with disease.

Breakthrough Genomics
Classification: Benign. Review status: criteria provided, single submitter. Criteria: ACMG Guidelines, 2015. Collection method: not provided. Allele origin: germline. Inheritance: Autosomal recessive inheritance. Affected: yes.